The following is an entry in ClinVar:

NM_000702.4(ATP1A2):c.1326+8del

Gene: ATP1A2 (ATPase Na+/K+ transporting subunit alpha 2; plus strand). Cytogenetic location: 1q23.2.
Variant type: Deletion.
Coding change: c.1326+8del on transcript NM_000702.4 (MANE Select); 8 bases into the intron after coding-DNA position 1326, one base deleted (G; older notation c.1326+8delG).
Molecular consequence: intron variant.
Genome position (GRCh38, 1-based): chr1:160,129,097, G deleted; the last of 5 consecutive G bases (chr1:160,129,093-160,129,097); deleting any one gives the same sequence. VCF-style (leftmost placement, unchanged base first): chr1-160129092-AG-A. GRCh37 (hg19) VCF-style: chr1-160098882-AG-A.
Other names: c.1326+8del (NM_000702.3).
Identifiers: ClinVar variation 421446 (VCV000421446.12), dbSNP rs763762298, ClinGen allele CA1194441.

ClinVar aggregate classification (germline): Benign/Likely benign. Review status: criteria provided, multiple submitters, no conflicts (2 of 4 stars). 6 submissions from 3 submitters: Benign (5); Likely benign (1). Last evaluated 2025-06-19.

Conditions:
Fetal akinesia, respiratory insufficiency, microcephaly, polymicrogyria, and dysmorphic facies. Identifiers: MedGen C5562015, MONDO:0859204, OMIM 619602.
Developmental and epileptic encephalopathy 98. Identifiers: MedGen C5562017, MONDO:0030472, OMIM 619605.
Familial hemiplegic migraine. Identifiers: MedGen C0338484, MONDO:0000700.
Migraine, familial hemiplegic, 2. Identifiers: Orphanet 569, MedGen C1865322, MONDO:0011232, OMIM 602481.
Alternating hemiplegia of childhood 1 (AHC1). Identifiers: Orphanet 2131, MedGen C3549447, MONDO:0007087, OMIM 104290.

Submissions (6):

Labcorp Genetics (formerly Invitae), Labcorp
Classification: Benign for Familial hemiplegic migraine. Last evaluated: 2025-06-19. Review status: criteria provided, single submitter. Criteria: Invitae Variant Classification Sherloc (09022015). Collection method: clinical testing. Allele origin: germline.

Genome-Nilou Lab
Classification: Benign for Alternating hemiplegia of childhood 1. Last evaluated: 2021-12-05. Review status: criteria provided, single submitter. Criteria: ACMG Guidelines, 2015. Collection method: clinical testing. Allele origin: germline. Affected: no.

Genome-Nilou Lab
Classification: Benign for Developmental and epileptic encephalopathy 98. Last evaluated: 2021-12-05. Review status: criteria provided, single submitter. Criteria: ACMG Guidelines, 2015. Collection method: clinical testing. Allele origin: germline. Affected: no.

Genome-Nilou Lab
Classification: Benign for Fetal akinesia, respiratory insufficiency, microcephaly, polymicrogyria, and dysmorphic facies. Last evaluated: 2021-12-05. Review status: criteria provided, single submitter. Criteria: ACMG Guidelines, 2015. Collection method: clinical testing. Allele origin: germline. Affected: no.

Genome-Nilou Lab
Classification: Benign for Migraine, familial hemiplegic, 2. Last evaluated: 2021-12-05. Review status: criteria provided, single submitter. Criteria: ACMG Guidelines, 2015. Collection method: clinical testing. Allele origin: germline. Affected: no.

GeneDx
Classification: Likely benign. Last evaluated: 2016-06-22. Review status: criteria provided, single submitter. Criteria: GeneDx Variant Classification (06012015). Collection method: clinical testing. Allele origin: germline. Affected: yes.
Comment: This variant is considered likely benign or benign based on one or more of the following criteria: it is a conservative change, it occurs at a poorly conserved position in the protein, it is predicted to be benign by multiple in silico algorithms, and/or has population frequency not consistent with disease.